The following is an entry in ClinVar:

NM_153717.3(EVC):c.696G>C (p.Lys232Asn)

Gene: EVC (EvC ciliary complex subunit 1; plus strand). Cytogenetic location: 4p16.2.
Variant type: single nucleotide variant.
Coding change: c.696G>C on transcript NM_153717.3 (MANE Select); coding-DNA position 696, G replaced by C.
Protein change: p.Lys232Asn; replaces lysine 232 with asparagine.
Molecular consequence: missense variant.
Genome position (GRCh38, 1-based): chr4:5,733,429, G>C. VCF-style: chr4-5733429-G-C. GRCh37 (hg19) VCF-style: chr4-5735156-G-C.
Other names: c.696G>C, p.Lys232Asn (NM_001306090.2, NM_001306092.2); short protein forms K232N.
Identifiers: ClinVar variation 1000271 (VCV001000271.4), dbSNP rs371664035, ClinGen allele CA2835798.
Genomic context (GRCh38, chr4:5,733,429, plus strand): 5'-TATCTACAGCCTTCACTTAAAAGACCTGCTGCATTTGGACACGGCACTGAGGCAGGAAAA[G>C]CATATGGTAGGTGGAGATGTTCGCATTCCCTCCTTTTCATGGGGACAGGAGCTGGGAGAC-3'
Protein context (NP_714928.1, residues 222-242): LHLDTALRQE[Lys232Asn]HMMFIQIFKM

ClinVar aggregate classification (germline): Uncertain significance. Review status: criteria provided, single submitter (1 of 4 stars). 2 submissions from 2 submitters: Uncertain significance (1). 1 of the submissions does not count toward it. Last evaluated 2022-08-23.

Conditions:
Ellis-van Creveld syndrome (EVC). Also called: Chondroectodermal dysplasia; EVC-Related Ellis-van Creveld Syndrome; EVC2-Related Ellis-van Creveld Syndrome; MESOECTODERMAL DYSPLASIA. Identifiers: Orphanet 289, MedGen C0013903, MONDO:0009162, OMIM 225500.
Curry-Hall syndrome (WAD). Also called: WEYERS ACRODENTAL DYSOSTOSIS. Identifiers: Orphanet 952, MedGen C0457013, MONDO:0008673, OMIM 193530.

Allele frequency attached by ClinVar (database versions not stated): gnomAD exomes below 0.00001; ExAC 0.00001; TOPMed 0.00002.
gnomAD v4.1: 9 of 1,613,824 alleles (0.00056%); highest among the groups gnomAD compares: African/African-American, 0.004%; no homozygotes.

Submissions (2):

Labcorp Genetics (formerly Invitae), Labcorp
Classification: Uncertain significance for Curry-Hall syndrome; Ellis-van Creveld syndrome. Last evaluated: 2022-08-23. Review status: criteria provided, single submitter. Criteria: Invitae Variant Classification Sherloc (09022015). Collection method: clinical testing. Allele origin: germline.
Comment: This sequence change replaces lysine, which is basic and polar, with asparagine, which is neutral and polar, at codon 232 of the EVC protein (p.Lys232Asn). This variant is present in population databases (rs371664035, gnomAD 0.007%). This variant has not been reported in the literature in individuals affected with EVC-related conditions. ClinVar contains an entry for this variant (Variation ID: 1000271). Algorithms developed to predict the effect of missense changes on protein structure and function are either unavailable or do not agree on the potential impact of this missense change (SIFT: "Deleterious"; PolyPhen-2: "Benign"; Align-GVGD: "Class C0"). In summary, the available evidence is currently insufficient to determine the role of this variant in disease. Therefore, it has been classified as a Variant of Uncertain Significance.

Natera, Inc.
Classification: Uncertain significance for Ellis-van Creveld syndrome. Last evaluated: 2020-06-30. Review status: no assertion criteria provided. Collection method: clinical testing. Allele origin: germline. Not counted in ClinVar's aggregate classification.